The following is an entry in ClinVar:

NM_002087.4(GRN):c.657del (p.Thr220fs)

Gene: GRN (granulin precursor; plus strand). Cytogenetic location: 17q21.31.
Variant type: Deletion.
Coding change: c.657del on transcript NM_002087.4 (MANE Select); coding-DNA position 657, one base deleted (T; older notation c.657delT).
Protein change: p.Thr220fs; shifts the reading frame from threonine 220.
Molecular consequence: frameshift variant.
Genome position (GRCh38, 1-based): chr17:44,350,749, T deleted. VCF-style (leftmost placement, unchanged base first): chr17-44350748-CT-C. GRCh37 (hg19) VCF-style: chr17-42428116-CT-C.
Other names: short protein forms T220fs.
Identifiers: ClinVar variation 3757118 (VCV003757118.3).

ClinVar aggregate classification (germline): Pathogenic/Likely pathogenic. Review status: criteria provided, multiple submitters, no conflicts (2 of 4 stars). 2 submissions from 2 submitters: Pathogenic (1); Likely pathogenic (1). Last evaluated 2024-07-02.

Conditions:
GRN-related frontotemporal lobar degeneration with Tdp43 inclusions (FTD2). Also called: DEMENTIA, HEREDITARY DYSPHASIC DISINHIBITION; FRONTOTEMPORAL LOBAR DEGENERATION WITH UBIQUITIN-POSITIVE INCLUSIONS; FTLD-TDP, GRN-RELATED; GRN Frontotemporal Dementia; FRONTOTEMPORAL DEMENTIA WITH TDP43 INCLUSIONS, GRN-RELATED. Identifiers: Orphanet 100070, Orphanet 282, MedGen C1843792, MONDO:0011842, OMIM 607485. Disease mechanism: loss of function.
Neuronal ceroid lipofuscinosis 11. Also called: GRN-Related Neuronal Ceroid-Lipofuscinosis. Identifiers: Orphanet 314629, Orphanet 79262, MedGen C3539123, MONDO:0013866, OMIM 614706.
GRN-related disorder. Also called: GRN-related disorders; GRN-related condition.

Submissions (2):

Labcorp Genetics (formerly Invitae), Labcorp
Classification: Pathogenic for Neuronal ceroid lipofuscinosis 11; GRN-related frontotemporal lobar degeneration with Tdp43 inclusions. Last evaluated: 2024-07-02. Review status: criteria provided, single submitter. Criteria: Invitae Variant Classification Sherloc (09022015). Collection method: clinical testing. Allele origin: germline.
Comment: This sequence change creates a premature translational stop signal (p.Thr220Profs*36) in the GRN gene. It is expected to result in an absent or disrupted protein product. Loss-of-function variants in GRN are known to be pathogenic (PMID: 16862116, 16950801, 22608501). This variant is not present in population databases (gnomAD no frequency). This variant has not been reported in the literature in individuals affected with GRN-related conditions. For these reasons, this variant has been classified as Pathogenic.

Blueprint Genetics
Classification: Likely pathogenic for GRN-related disorders. Last evaluated: 2021-09-10. Review status: criteria provided, single submitter. Criteria: ACMG Guidelines, 2015. Collection method: clinical testing. Allele origin: germline. Affected: yes. Observed: 1 variant allele.

Literature cited by the submitters: PubMed 16862116 (cited by Labcorp Genetics (formerly Invitae), Labcorp); PubMed 16950801 (cited by Labcorp Genetics (formerly Invitae), Labcorp); PubMed 22608501 (cited by Labcorp Genetics (formerly Invitae), Labcorp).